The following is an entry in ClinVar:

ClinVar aggregate classification (germline): Likely benign. Review status: criteria provided, multiple submitters, no conflicts (2 of 4 stars). 5 submissions from 5 submitters: Likely benign (5). Last evaluated 2026-06-01.

Conditions:
Dilated cardiomyopathy 1G (CMD1G). Identifiers: Orphanet 154, MedGen C1858763, MONDO:0011400, OMIM 604145.
Autosomal recessive limb-girdle muscular dystrophy type 2J (LGMDR10). Also called: MUSCULAR DYSTROPHY, LIMB-GIRDLE, AUTOSOMAL RECESSIVE 10; Limb-girdle muscular dystrophy, type 2J. Identifiers: Orphanet 140922, MedGen C1837342, MONDO:0012127, OMIM 608807.
Cardiovascular phenotype. Identifiers: MedGen CN230736.
Early-onset myopathy with fatal cardiomyopathy (CMYO5). Also called: Salih Myopathy; CONGENITAL MYOPATHY 5 WITH CARDIOMYOPATHY. Identifiers: Orphanet 289377, MedGen C2673677, MONDO:0012714, OMIM 611705. Disease mechanism: loss of function.
Hypertrophic cardiomyopathy 9. Also called: Familial hypertrophic cardiomyopathy 9. Identifiers: MedGen C1861065, MONDO:0013412, OMIM 613765.
Myopathy, myofibrillar, 9, with early respiratory failure (MFM9). Also called: Myopathy, distal, with early respiratory failure, autosomal dominant; Hereditary myopathy with early respiratory failure; MYOPATHY, PROXIMAL, WITH EARLY RESPIRATORY MUSCLE INVOLVEMENT; EDSTROM MYOPATHY. Identifiers: Orphanet 178464, Orphanet 34521, MedGen C1863599, MONDO:0011362, OMIM 603689.
Tibial muscular dystrophy (TMD). Also called: Udd Distal Myopathy – Tibial Muscular Dystrophy; UDD MYOPATHY; Tibial muscular dystrophy, tardive. Identifiers: Orphanet 609, MedGen C1838244, MONDO:0010870, OMIM 600334.
Cardiomyopathy (CMYO). Also called: Cardiomyopathies. Identifiers: Orphanet 167848, MedGen C0878544, MONDO:0004994, HP:0001638. Inheritance: Various modes of inheritance.

Allele frequency attached by ClinVar (database versions not stated): TOPMed below 0.00001; 1000 Genomes Project 30x 0.00016; gnomAD 0.00001; ExAC 0.00002; ESP Exome Variant Server 0.00008; gnomAD exomes 0.00002 and 0.00003.

Submissions (5):

Ambry Genetics
Classification: Likely benign for Cardiovascular phenotype. Last evaluated: 2026-06-01. Review status: criteria provided, single submitter. Criteria: Ambry Variant Classification Scheme 2023. Collection method: clinical testing. Allele origin: germline.

Labcorp Genetics (formerly Invitae), Labcorp
Classification: Likely benign for Dilated cardiomyopathy 1G; Autosomal recessive limb-girdle muscular dystrophy type 2J. Last evaluated: 2025-11-05. Review status: criteria provided, single submitter. Criteria: Invitae Variant Classification Sherloc (09022015). Collection method: clinical testing. Allele origin: germline.

CHEO Genetics Diagnostic Laboratory, Children's Hospital of Eastern Ontario
Classification: Likely benign for Cardiomyopathy. Last evaluated: 2022-05-11. Review status: criteria provided, single submitter. Criteria: ACMG Guidelines, 2015. Collection method: clinical testing. Allele origin: germline.

Fulgent Genetics
Classification: Likely benign for Tibial muscular dystrophy; Myopathy, myofibrillar, 9, with early respiratory failure; Dilated cardiomyopathy 1G; Autosomal recessive limb-girdle muscular dystrophy type 2J; Early-onset myopathy with fatal cardiomyopathy; Hypertrophic cardiomyopathy 9. Last evaluated: 2021-11-01. Review status: criteria provided, single submitter. Criteria: ACMG Guidelines, 2015. Collection method: clinical testing. Allele origin: unknown.

GeneDx
Classification: Likely benign. Last evaluated: 2017-07-03. Review status: criteria provided, single submitter. Criteria: GeneDx Variant Classification (06012015). Collection method: clinical testing. Allele origin: germline. Affected: yes.
Comment: This variant is considered likely benign or benign based on one or more of the following criteria: it is a conservative change, it occurs at a poorly conserved position in the protein, it is predicted to be benign by multiple in silico algorithms, and/or has population frequency not consistent with disease.

NM_001267550.2(TTN):c.82641A>G (p.Glu27547=)

Genes: TTN (titin; minus strand), TTN-AS1 (TTN antisense RNA 1; plus strand). Cytogenetic location: 2q31.2.
Variant type: single nucleotide variant.
Coding change: c.82641A>G on transcript NM_001267550.2 (MANE Select); coding-DNA position 82641, A replaced by G.
Protein change: p.Glu27547=; no amino-acid change (glutamic acid 27547 retained).
Molecular consequence: synonymous variant.
Genome position (GRCh38, 1-based): chr2:178,563,491, T>C on the plus strand (A>G on the coding strand, the complement: TTN is on the minus strand). VCF-style: chr2-178563491-T-C. GRCh37 (hg19) VCF-style: chr2-179428218-T-C.
Other names: c.77718A>G, p.Glu25906= (NM_001256850.1); c.55446A>G, p.Glu18482= (NM_003319.4); c.74937A>G, p.Glu24979= (NM_133378.4); c.55821A>G, p.Glu18607= (NM_133432.3); c.56022A>G, p.Glu18674= (NM_133437.4).
Identifiers: ClinVar variation 510709 (VCV000510709.13), dbSNP rs372153745, ClinGen allele CA1989035.